The following is an entry in ClinVar:

ClinVar aggregate classification (germline): Uncertain significance (1 of 4 stars; one submission).

Submission:

Labcorp Genetics (formerly Invitae), Labcorp
Classification: Uncertain significance. Last evaluated: 2026-01-10. Review status: criteria provided, single submitter. Criteria: Invitae Variant Classification Sherloc (09022015). Collection method: clinical testing. Allele origin: germline.
Comment: This sequence change replaces aspartic acid, which is acidic and polar, with histidine, which is basic and polar, at codon 52 of the TNNI3K protein (p.Asp52His). This variant is not present in population databases (gnomAD no frequency). This variant has not been reported in the literature in individuals affected with TNNI3K-related conditions. Invitae Evidence Modeling of protein sequence and biophysical properties (such as structural, functional, and spatial information, amino acid conservation, physicochemical variation, residue mobility, and thermodynamic stability) indicates that this missense variant is not expected to disrupt TNNI3K protein function with a negative predictive value of 80%. In summary, the available evidence is currently insufficient to determine the role of this variant in disease. Therefore, it has been classified as a Variant of Uncertain Significance.

NM_015978.3(TNNI3K):c.154G>C (p.Asp52His)

Genes: FPGT-TNNI3K (FPGT-TNNI3K readthrough; plus strand), TNNI3K (TNNI3 interacting kinase; plus strand). Cytogenetic location: 1p31.1.
Variant type: single nucleotide variant.
Coding change: c.154G>C on transcript NM_015978.3 (MANE Select); coding-DNA position 154, G replaced by C.
Protein change: p.Asp52His; replaces aspartic acid 52 with histidine.
Molecular consequence: missense variant.
Genome position (GRCh38, 1-based): chr1:74,249,463, G>C. VCF-style: chr1-74249463-G-C. GRCh37 (hg19) VCF-style: chr1-74715147-G-C.
Other names: c.457G>C, p.Asp153His (NM_001112808.3, NM_001199327.2); short protein forms D52H, D153H.
Identifiers: ClinVar variation 4744661 (VCV004744661.1).